The following is an entry in ClinVar:

NM_052867.4(NALCN):c.3022C>T (p.Arg1008Ter)

Gene: NALCN (sodium leak channel, non-selective; minus strand). Cytogenetic location: 13q33.1.
Variant type: single nucleotide variant.
Coding change: c.3022C>T on transcript NM_052867.4 (MANE Select); coding-DNA position 3022, C replaced by T.
Protein change: p.Arg1008Ter; replaces arginine 1008 with a stop codon.
Molecular consequence: nonsense.
Genome position (GRCh38, 1-based): chr13:101,103,207, G>A on the plus strand (C>T on the coding strand, the complement: NALCN is on the minus strand). VCF-style: chr13-101103207-G-A. GRCh37 (hg19) VCF-style: chr13-101755558-G-A.
Other names: c.3109C>T, p.Arg1037Ter (NM_001350748.2); c.3022C>T, p.Arg1008Ter (NM_001350749.2); c.2935C>T, p.Arg979Ter (NM_001350750.2, NM_001350751.2); short protein forms R1037*, R1008*, R979*.
Identifiers: ClinVar variation 684699 (VCV000684699.7), dbSNP rs766421214, ClinGen allele CA7035523.

ClinVar aggregate classification (germline): Pathogenic. Review status: criteria provided, multiple submitters, no conflicts (2 of 4 stars). 4 submissions from 4 submitters: Pathogenic (3). 1 of the submissions does not count toward it. Last evaluated 2024-12-04.

Conditions:
Hypotonia, infantile, with psychomotor retardation and characteristic facies 1 (INNFD). Identifiers: Orphanet 371364, Orphanet 700336, MedGen C3809454, MONDO:0024567, OMIM 615419.

Allele frequency attached by ClinVar (database versions not stated): TOPMed below 0.00001; ExAC 0.00001; gnomAD 0.00001; gnomAD exomes 0.00001 and 0.00002.
gnomAD v4.1: 10 of 1,613,420 alleles (0.00062%); highest among the groups gnomAD compares: Admixed American, 0.0017%; no homozygotes.

Submissions (4):

GeneDx
Classification: Pathogenic. Last evaluated: 2024-12-04. Review status: criteria provided, single submitter. Criteria: GeneDx Variant Classification Process June 2021. Collection method: clinical testing. Allele origin: germline.
Comment: Nonsense variant predicted to result in protein truncation or nonsense mediated decay in a gene for which loss of function is a known mechanism of disease; This variant is associated with the following publications: (PMID: 30167850, 35808948, 37334874)

New York Genome Center
Classification: Pathogenic for Hypotonia, infantile, with psychomotor retardation and characteristic facies 1. Last evaluated: 2020-06-19. Review status: criteria provided, single submitter. Criteria: NYGC Assertion Criteria 2020. Collection method: clinical testing. Allele origin: inherited. Observed: 1 compound heterozygote. Study: CSER-NYCKidSeq.
Comment: The inherited c.3022C>T (p.Arg1008Ter) variant identified in the NALCN gene is a nonsense variant that leads to the premature termination of the protein at amino acid 1008/1739 (coding exon 26/44), and is predicted to lead to nonsense mediated decay. This variant is found in low frequency in gnomAD (v3.0) (1 heterozygote, 0 homozygotes; allele frequency: 6.98e-6) suggesting it is not a common benign variant in the populations represented in that database. This variant is reported in ClinVar as Pathogenic (VarID:684699), and has been identified in an affected individual in the literature in trans with a second pathogenic variant [PMID:30167850]. Given its deleterious nature, low frequency in population databases, and observation in an affected individual in the literature in trans with a second pathogenic variant, the paternally inherited c.3022C>T (p.Arg1008Ter) variant identified in the NALCN gene of this individualis reported here as Pathogenic.

Juno Genomics, Hangzhou Juno Genomics, Inc
Classification: Pathogenic for Hypotonia, infantile, with psychomotor retardation and characteristic facies 1. Review status: criteria provided, single submitter. Criteria: ACMG Guidelines, 2015. Collection method: clinical testing. Allele origin: germline.
Comment: Absent from controls (or at extremely low frequency if recessive) in Genome Aggregation Database.;Null variant in a gene where loss of function (LOF) is a known mechanism of disease.;For recessive disorders, detected in trans with a pathogenic variant.

Yale Center for Mendelian Genomics, Yale University
Classification: Pathogenic for Hypotonia, infantile, with psychomotor retardation and characteristic facies 1. Last evaluated: 2018-08-23. Review status: no assertion criteria provided. Collection method: literature only. Allele origin: germline. Affected: yes. Observed: 1 compound heterozygote. Not counted in ClinVar's aggregate classification.

Literature cited by the submitters: PubMed 30167850 (cited by Yale Center for Mendelian Genomics, Yale University).